The following is an entry in ClinVar:

ClinVar aggregate classification (germline): Uncertain significance (1 of 4 stars; one submission).

Conditions:
Gnathodiaphyseal dysplasia (GDD). Also called: GNATHODIAPHYSEAL SCLEROSIS; OSTEOGENESIS IMPERFECTA WITH UNUSUAL SKELETAL LESIONS. Identifiers: Orphanet 53697, MedGen C1833736, MONDO:0008151, OMIM 166260.
Autosomal recessive limb-girdle muscular dystrophy type 2L (LGMDR12). Also called: Limb-girdle muscular dystrophy, type 2L; MUSCULAR DYSTROPHY, LIMB-GIRDLE, AUTOSOMAL RECESSIVE 12; Limb-Girdle Muscular Dystrophy R12 Anoctamin-5-Related (LGMD-R12). Identifiers: Orphanet 206549, MedGen C1969785, MONDO:0012652, OMIM 611307.

gnomAD v4.1: 1 of 1,613,006 alleles (0.000062%); highest among the groups gnomAD compares: Non-Finnish European, 0.000085%; no homozygotes.

Submission:

Labcorp Genetics (formerly Invitae), Labcorp
Classification: Uncertain significance for Autosomal recessive limb-girdle muscular dystrophy type 2L; Gnathodiaphyseal dysplasia. Last evaluated: 2025-10-25. Review status: criteria provided, single submitter. Criteria: Invitae Variant Classification Sherloc (09022015). Collection method: clinical testing. Allele origin: germline.
Comment: This sequence change replaces proline, which is neutral and non-polar, with histidine, which is basic and polar, at codon 225 of the ANO5 protein (p.Pro225His). This variant is not present in population databases (gnomAD no frequency). This variant has not been reported in the literature in individuals affected with ANO5-related conditions. Invitae Evidence Modeling of protein sequence and biophysical properties (such as structural, functional, and spatial information, amino acid conservation, physicochemical variation, residue mobility, and thermodynamic stability) has been performed for this missense variant. However, the output from this modeling did not meet the statistical confidence thresholds required to predict the impact of this variant on ANO5 protein function. In summary, the available evidence is currently insufficient to determine the role of this variant in disease. Therefore, it has been classified as a Variant of Uncertain Significance.

NM_213599.3(ANO5):c.674C>A (p.Pro225His)

Gene: ANO5 (anoctamin 5; plus strand). Cytogenetic location: 11p14.3.
Variant type: single nucleotide variant.
Coding change: c.674C>A on transcript NM_213599.3 (MANE Select); coding-DNA position 674, C replaced by A.
Protein change: p.Pro225His; replaces proline 225 with histidine.
Molecular consequence: missense variant. On other transcripts: intron variant (2).
Genome position (GRCh38, 1-based): chr11:22,236,188, C>A. VCF-style: chr11-22236188-C-A. GRCh37 (hg19) VCF-style: chr11-22257734-C-A.
Other names: c.671C>A, p.Pro224His (NM_001142649.2); c.632C>A, p.Pro211His (NM_001410963.1, NM_001441300.1); c.629C>A, p.Pro210His (NM_001410964.1, NM_001441301.1); c.596C>A, p.Pro199His (NM_001441294.1); c.593C>A, p.Pro198His (NM_001441295.1); c.581C>A, p.Pro194His (NM_001441296.1, NM_001441302.1); c.554C>A, p.Pro185His (NM_001441297.1); c.607-3381C>A (NM_001441298.1); and 1 more; short protein forms P198H, P194H, P224H, P185H, P199H, P210H, P211H, P225H.
Identifiers: ClinVar variation 4787719 (VCV004787719.1).